The following is an entry in ClinVar:

ClinVar aggregate classification (germline): Likely benign. Review status: criteria provided, multiple submitters, no conflicts (2 of 4 stars). 2 submissions from 2 submitters: Likely benign (2). Last evaluated 2024-11-21.

Allele frequency attached by ClinVar (database versions not stated): 1000 Genomes Project 0.00120; 1000 Genomes Project 30x 0.00125; TOPMed 0.00184; gnomAD 0.00206; ExAC 0.00248; ESP Exome Variant Server 0.00269.

Submissions (2):

Blueprint Genetics
Classification: Likely benign. Last evaluated: 2024-11-21. Review status: criteria provided, single submitter. Criteria: ACMG Guidelines, 2015. Collection method: clinical testing. Allele origin: germline.

GeneDx
Classification: Likely benign. Last evaluated: 2023-09-19. Review status: criteria provided, single submitter. Criteria: GeneDx Variant Classification Process June 2021. Collection method: clinical testing. Allele origin: germline.
Comment: See Variant Classification Assertion Criteria.

NM_145038.5(DRC1):c.*8C>T

Gene: DRC1 (dynein regulatory complex subunit 1; plus strand). Cytogenetic location: 2p23.3.
Variant type: single nucleotide variant.
Coding change: c.*8C>T on transcript NM_145038.5 (MANE Select); 8 bases downstream of the stop codon, C replaced by T.
Molecular consequence: 3 prime UTR variant.
Genome position (GRCh38, 1-based): chr2:26,456,525, C>T. VCF-style: chr2-26456525-C-T. GRCh37 (hg19) VCF-style: chr2-26679393-C-T.
Identifiers: ClinVar variation 2579982 (VCV002579982.3), dbSNP rs199624410, ClinGen allele CA1562591.